The following is an entry in ClinVar:

NM_001276345.2(TNNT2):c.377_378del (p.Glu126fs)

Gene: TNNT2 (troponin T2, cardiac type; minus strand). Cytogenetic location: 1q32.1.
Variant type: Microsatellite.
Coding change: c.377_378del on transcript NM_001276345.2 (MANE Select); coding-DNA positions 377 to 378, 2 bases deleted (AG; older notation c.377_378delAG).
Protein change: p.Glu126fs; shifts the reading frame from glutamic acid 126.
Molecular consequence: frameshift variant. On other transcripts: intron variant (1).
Genome position (GRCh38, 1-based): chr1:201,365,224-201,365,225, CT deleted on the plus strand (AG on the coding strand, the reverse complement: TNNT2 is on the minus strand); deleting any 2 consecutive bases within chr1:201,365,224-201,365,227 gives the same sequence; the c. name uses the placement nearest the transcript's 3' end. VCF-style (leftmost placement, unchanged base first): chr1-201365223-CCT-C. GRCh37 (hg19) VCF-style: chr1-201334351-CCT-C.
Other names: c.377_378del, p.Glu126fs (NM_000364.4); c.347_348del, p.Glu116fs (NM_001001430.3, NM_001001431.3, NM_001276347.2); c.332_333del, p.Glu111fs (NM_001001432.3); c.291+385_291+386del (NM_001276346.2); c.347_348del (NM_001001430.1); short protein forms E126fs, E111fs, E116fs.
Identifiers: ClinVar variation 1423245 (VCV001423245.9), dbSNP rs1246597926, ClinGen allele CA528092946.

ClinVar aggregate classification (germline): Uncertain significance. Review status: criteria provided, multiple submitters, no conflicts (2 of 4 stars). 4 submissions from 4 submitters: Uncertain significance (4). Last evaluated 2024-11-27.

Conditions:
Dilated cardiomyopathy 1D. Identifiers: Orphanet 154, Orphanet 54260, MedGen C1832243, MONDO:0011095, OMIM 601494.
Cardiomyopathy, familial restrictive, 3. Identifiers: Orphanet 75249, MedGen C2676271, MONDO:0012900, OMIM 612422.
Hypertrophic cardiomyopathy 2. Also called: TNNT2-Related Familial Hypertrophic Cardiomyopathy. Identifiers: MedGen C1861864, MONDO:0007266, OMIM 115195.
Cardiomyopathy (CMYO). Also called: Cardiomyopathies. Identifiers: Orphanet 167848, MedGen C0878544, MONDO:0004994, HP:0001638. Inheritance: Various modes of inheritance.

Submissions (4):

GeneDx
Classification: Uncertain significance. Last evaluated: 2024-11-27. Review status: criteria provided, single submitter. Criteria: GeneDx Variant Classification Process June 2021. Collection method: clinical testing. Allele origin: germline. Affected: yes.
Comment: Not observed at significant frequency in large population cohorts (gnomAD); Frameshift variant predicted to result in protein truncation or nonsense mediated decay in a gene or region of a gene for which loss of function is not a well-established mechanism of disease; Has not been previously published as pathogenic or benign to our knowledge

Color Diagnostics, LLC DBA Color Health
Classification: Uncertain significance for Cardiomyopathy. Last evaluated: 2024-06-26. Review status: criteria provided, single submitter. Criteria: ACMG Guidelines, 2015. Collection method: clinical testing. Allele origin: germline.
Comment: This variant deletes 2 nucleotides in exon 9 of the TNNT2 gene, creating a frameshift and premature translation stop signal. This variant is expected to result in an absent or non-functional protein product. To our knowledge, this variant has not been reported in individuals affected with TNNT2-related disorders in the literature. This variant has been identified in 1/251496 chromosomes in the general population by the Genome Aggregation Database (gnomAD). Clinical relevance of loss-of-function TNNT2 truncation variants in autosomal dominant cardiovascular disorders is not clearly established. The available evidence is insufficient to determine the role of this variant in disease conclusively. Therefore, this variant is classified as a Variant of Uncertain Significance.

Labcorp Genetics (formerly Invitae), Labcorp
Classification: Uncertain significance for Cardiomyopathy, familial restrictive, 3; Hypertrophic cardiomyopathy 2; Dilated cardiomyopathy 1D. Last evaluated: 2023-06-23. Review status: criteria provided, single submitter. Criteria: Invitae Variant Classification Sherloc (09022015). Collection method: clinical testing. Allele origin: germline.
Comment: This sequence change creates a premature translational stop signal (p.Glu116Glyfs*27) in the TNNT2 gene. It is expected to result in an absent or disrupted protein product. However, the current clinical and genetic evidence is not sufficient to establish whether loss-of-function variants in TNNT2 cause disease. This variant is present in population databases (no rsID available, gnomAD 0.0009%). This variant has not been reported in the literature in individuals affected with TNNT2-related conditions. Experimental studies and prediction algorithms are not available or were not evaluated, and the functional significance of this variant is currently unknown. Algorithms developed to predict the effect of sequence changes on RNA splicing suggest that this variant may disrupt the consensus splice site. In summary, the available evidence is currently insufficient to determine the role of this variant in disease. Therefore, it has been classified as a Variant of Uncertain Significance.

All of Us Research Program, National Institutes of Health
Classification: Uncertain significance for Cardiomyopathy. Last evaluated: 2023-04-27. Review status: criteria provided, single submitter. Criteria: ACMG Guidelines, 2015. Collection method: clinical testing. Allele origin: germline. Inheritance: Autosomal dominant inheritance. Observed: 1 variant allele, 1 heterozygote.
Comment: This study involves interpretation of variants in research participants for the purpose of population health screening. Participant phenotype was not available at the time of variant classification. Additional details can be found in publication PMID: 35346344, PMCID: PMC8962531